The following is an entry in ClinVar:

ClinVar aggregate classification (germline): Uncertain significance (1 of 4 stars; one submission).

Conditions:
Epilepsy, idiopathic generalized, susceptibility to, 5. Also called: Epilepsy, idiopathic generalized 5; EIG5. Identifiers: MedGen C2677808, MONDO:0012760, OMIM 611934.

gnomAD v4.1: 2 of 1,599,022 alleles (0.00013%); highest among the groups gnomAD compares: African/African-American, 0.0027%; no homozygotes.

Submission:

Clinical Genomics Laboratory, Washington University in St. Louis
Classification: Uncertain significance for Epilepsy, idiopathic generalized, susceptibility to, 5. Last evaluated: 2025-07-14. Review status: criteria provided, single submitter. Criteria: ACMG Guidelines, 2015. Collection method: clinical testing. Allele origin: germline.
Comment: The KMT2B c.1798A>G (p.Arg600Gly) variant, to our knowledge, has not been reported in the medical literature and is absent from the general population (gnomAD v.2.1.1), indicating it is not a common variant. Computational predictors are uncertain as to the impact of this variant on KMT2B function. Due to limited information, and based on ACMG/AMP guidelines for variant interpretation (Richards S et al., PMID: 25741868), the clinical significance of this variant is uncertain at this time.

NM_014727.3(KMT2B):c.1798A>G (p.Arg600Gly)

Gene: KMT2B (lysine methyltransferase 2B; plus strand). Cytogenetic location: 19q13.12.
Variant type: single nucleotide variant.
Coding change: c.1798A>G on transcript NM_014727.3 (MANE Select); coding-DNA position 1798, A replaced by G.
Protein change: p.Arg600Gly; replaces arginine 600 with glycine.
Molecular consequence: missense variant.
Genome position (GRCh38, 1-based): chr19:35,721,145, A>G. VCF-style: chr19-35721145-A-G. GRCh37 (hg19) VCF-style: chr19-36212047-A-G.
Other names: short protein forms R600G.
Identifiers: ClinVar variation 4279856 (VCV004279856.1).
Genomic context (GRCh38, chr19:35,721,145, plus strand): 5'-GTCCCCTCTCCACCACGTGCCCCAACTCCTCCATCTACCCCAGTTCCACTCCCTGAGAAG[A>G]GACGGTCCATCCTAAGGGAACCCACATTTCGCTGGACCTCACTGACCCGGGAGCTGCCCC-3'
Protein context (NP_055542.1, residues 590-610): PSTPVPLPEK[Arg600Gly]RSILREPTFR